The following is an entry in ClinVar:

NM_000326.5(RLBP1):c.281G>A (p.Gly94Asp)

Gene: RLBP1 (retinaldehyde binding protein 1; minus strand). Cytogenetic location: 15q26.1.
Variant type: single nucleotide variant.
Coding change: c.281G>A on transcript NM_000326.5 (MANE Select); coding-DNA position 281, G replaced by A.
Protein change: p.Gly94Asp; replaces glycine 94 with aspartic acid.
Molecular consequence: missense variant.
Genome position (GRCh38, 1-based): chr15:89,217,185, C>T on the plus strand (G>A on the coding strand, the complement: RLBP1 is on the minus strand). VCF-style: chr15-89217185-C-T. GRCh37 (hg19) VCF-style: chr15-89760416-C-T.
Other names: c.281G>A (NM_000326.4); short protein forms G94D.
Identifiers: ClinVar variation 1464975 (VCV001464975.7), dbSNP rs201248180, ClinGen allele CA274535487.

ClinVar aggregate classification (germline): Uncertain significance. Review status: criteria provided, multiple submitters, no conflicts (2 of 4 stars). 2 submissions from 2 submitters: Uncertain significance (2). Last evaluated 2022-05-27.

Conditions:
Inborn genetic diseases. Identifiers: MedGen C0950123, MeSH D030342.

Allele frequency attached by ClinVar (database versions not stated): gnomAD exomes below 0.00001.

Submissions (2):

Ambry Genetics
Classification: Uncertain significance for Inborn genetic diseases. Last evaluated: 2022-05-27. Review status: criteria provided, single submitter. Criteria: Ambry Variant Classification Scheme 2023. Collection method: clinical testing. Allele origin: germline.

Labcorp Genetics (formerly Invitae), Labcorp
Classification: Uncertain significance. Last evaluated: 2020-12-02. Review status: criteria provided, single submitter. Criteria: Invitae Variant Classification Sherloc (09022015). Collection method: clinical testing. Allele origin: germline.
Comment: In summary, the available evidence is currently insufficient to determine the role of this variant in disease. Therefore, it has been classified as a Variant of Uncertain Significance. Algorithms developed to predict the effect of missense changes on protein structure and function output the following: SIFT: "Tolerated"; PolyPhen-2: "Benign"; Align-GVGD: "Class C0". The aspartic acid amino acid residue is found in multiple mammalian species, suggesting that this missense change does not adversely affect protein function. These predictions have not been confirmed by published functional studies and their clinical significance is uncertain. This variant has not been reported in the literature in individuals with RLBP1-related conditions. This variant is not present in population databases (ExAC no frequency). This sequence change replaces glycine with aspartic acid at codon 94 of the RLBP1 protein (p.Gly94Asp). The glycine residue is weakly conserved and there is a moderate physicochemical difference between glycine and aspartic acid.